The following is an entry in ClinVar:

NM_032043.3(BRIP1):c.3563A>C (p.Glu1188Ala)

Gene: BRIP1 (BRCA1 interacting DNA helicase 1; minus strand). Cytogenetic location: 17q23.2.
Variant type: single nucleotide variant.
Coding change: c.3563A>C on transcript NM_032043.3 (MANE Select); coding-DNA position 3563, A replaced by C.
Protein change: p.Glu1188Ala; replaces glutamic acid 1188 with alanine.
Molecular consequence: missense variant.
Genome position (GRCh38, 1-based): chr17:61,683,483, T>G on the plus strand (A>C on the coding strand, the complement: BRIP1 is on the minus strand). VCF-style: chr17-61683483-T-G. GRCh37 (hg19) VCF-style: chr17-59760844-T-G.
Other names: short protein forms E1188A.
Identifiers: ClinVar variation 3228130 (VCV003228130.1), dbSNP rs2061301893, ClinGen allele CA400478245.
Genomic context (GRCh38, chr17:61,683,483, plus strand): 5'-TCATCAATTTTACTTTCTTCAATATGCAGAATTCCATTCAACTTTGTATCTATGCAATCC[T>G]CAGCTTTCACTTCTCTGGCTGAATCTACTTCTTTTATAGTTCTAATTTCAAAAAGGTCTT-3'
Protein context (NP_114432.2, residues 1178-1198): EVDSAREVKA[Glu1188Ala]DCIDTKLNGI

ClinVar aggregate classification (germline): Uncertain significance (1 of 4 stars; one submission).

Conditions:
Hereditary cancer-predisposing syndrome. Also called: Neoplastic Syndromes, Hereditary; Tumor predisposition; Hereditary neoplastic syndrome; Hereditary Cancer Syndrome. Identifiers: Orphanet 140162, MedGen C0027672, MeSH D009386, MONDO:0015356.

Submission:

Ambry Genetics
Classification: Uncertain significance for Hereditary cancer-predisposing syndrome. Last evaluated: 2023-09-21. Review status: criteria provided, single submitter. Criteria: Ambry Variant Classification Scheme 2023. Collection method: clinical testing. Allele origin: germline.
Comment: The p.E1188A variant (also known as c.3563A>C), located in coding exon 19 of the BRIP1 gene, results from an A to C substitution at nucleotide position 3563. The glutamic acid at codon 1188 is replaced by alanine, an amino acid with dissimilar properties. This amino acid position is conserved. In addition, this alteration is predicted to be tolerated by in silico analysis. Since supporting evidence is limited at this time, the clinical significance of this alteration remains unclear.